The following is an entry in ClinVar:

NM_014000.3(VCL):c.1762C>T (p.Gln588Ter)

Gene: VCL (vinculin; plus strand). Cytogenetic location: 10q22.2.
Variant type: single nucleotide variant.
Coding change: c.1762C>T on transcript NM_014000.3 (MANE Select); coding-DNA position 1762, C replaced by T.
Protein change: p.Gln588Ter; replaces glutamine 588 with a stop codon.
Molecular consequence: nonsense.
Genome position (GRCh38, 1-based): chr10:74,097,222, C>T. VCF-style: chr10-74097222-C-T. GRCh37 (hg19) VCF-style: chr10-75856980-C-T.
Other names: c.1762C>T, p.Gln588Ter (NM_003373.4); short protein forms Q588*.
Identifiers: ClinVar variation 177889 (VCV000177889.7), dbSNP rs727504381, ClinGen allele CA273521.

ClinVar aggregate classification (germline): Conflicting classifications of pathogenicity. Review status: criteria provided, conflicting classifications (1 of 4 stars). 2 submissions from 2 submitters: Likely pathogenic (1); Uncertain significance (1). Last evaluated 2026-06-30.

Conditions:
Primary dilated cardiomyopathy (DCM). Also called: Dilated Cardiomyopathy. Identifiers: Orphanet 217604, MedGen C0007193, MeSH D002311, MONDO:0005021, HP:0001644. Inheritance: Various modes of inheritance.

Submissions (2):

GeneDx
Classification: Uncertain significance. Last evaluated: 2026-06-30. Review status: criteria provided, single submitter. Criteria: GeneDx Variant Classification Process June 2021. Collection method: clinical testing. Allele origin: germline.
Comment: Identified in an infant with dilated cardiomyopathy. The variant was inherited from the patient's mother who had no clinical phenotype reported (PMID: 32516855); Not observed at significant frequency in large population cohorts (gnomAD); Nonsense variant predicted to result in protein truncation or nonsense mediated decay in a gene or region of a gene for which loss of function is not a well-established mechanism of disease; This variant is associated with the following publications: (PMID: 33500567, 32516855)

Laboratory for Molecular Medicine, Mass General Brigham Personalized Medicine
Classification: Likely pathogenic for Primary dilated cardiomyopathy. Last evaluated: 2010-07-01. Review status: criteria provided, single submitter. Criteria: LMM Criteria. Collection method: clinical testing. Allele origin: germline. Observed: 2 variant alleles.
Comment: The Gln588X variant has not been reported in the literature. This variant leads to a premature stop at codon 588. This alteration is predicted to lead to a trun cated or completely absent protein (loss of function). Although the VCL gene has not yet been implicated in the etiology of LVNC and the variant spectrum is not yet well defined, our laboratory has identified loss of function variants in VC L in 4/14 probands with DCM and/or LVNC. Furthermore, mouse models have shown th at loss of function of the VCL gene can lead to DCM. In summary, the Gln588X va riant is likely to be pathogenic.

Literature cited by the submitters: PubMed 17785437 (cited by Laboratory for Molecular Medicine, Mass General Brigham Personalized Medicine).